The following is an entry in ClinVar:

ClinVar aggregate classification (germline): Uncertain significance. Review status: criteria provided, multiple submitters, no conflicts (2 of 4 stars). 3 submissions from 3 submitters: Uncertain significance (3). Last evaluated 2025-02-19.

Conditions:
Hereditary nonpolyposis colorectal neoplasms. Identifiers: MedGen C0009405, MeSH D003123.
Hereditary cancer-predisposing syndrome. Also called: Hereditary Cancer Syndrome; Hereditary neoplastic syndrome; Neoplastic Syndromes, Hereditary; Tumor predisposition. Identifiers: Orphanet 140162, MedGen C0027672, MeSH D009386, MONDO:0015356.
Endometrial carcinoma. Also called: Endometrial carcinoma, somatic. Identifiers: MedGen C0476089, MONDO:0002447, OMIM 608089, HP:0012114.

Submissions (3):

Labcorp Genetics (formerly Invitae), Labcorp
Classification: Uncertain significance for Hereditary nonpolyposis colorectal neoplasms. Last evaluated: 2025-02-19. Review status: criteria provided, single submitter. Criteria: Invitae Variant Classification Sherloc (09022015). Collection method: clinical testing. Allele origin: germline.
Comment: This sequence change replaces serine, which is neutral and polar, with tyrosine, which is neutral and polar, at codon 472 of the MSH6 protein (p.Ser472Tyr). This variant is not present in population databases (gnomAD no frequency). This variant has not been reported in the literature in individuals affected with MSH6-related conditions. ClinVar contains an entry for this variant (Variation ID: 1772116). Invitae Evidence Modeling of protein sequence and biophysical properties (such as structural, functional, and spatial information, amino acid conservation, physicochemical variation, residue mobility, and thermodynamic stability) indicates that this missense variant is not expected to disrupt MSH6 protein function with a negative predictive value of 95%. In summary, the available evidence is currently insufficient to determine the role of this variant in disease. Therefore, it has been classified as a Variant of Uncertain Significance.

Baylor Genetics
Classification: Uncertain significance for Endometrial carcinoma. Last evaluated: 2024-03-05. Review status: criteria provided, single submitter. Criteria: ACMG Guidelines, 2015. Collection method: clinical testing. Allele origin: unknown.

Ambry Genetics
Classification: Uncertain significance for Hereditary cancer-predisposing syndrome. Last evaluated: 2020-03-23. Review status: criteria provided, single submitter. Criteria: Ambry Variant Classification Scheme 2023. Collection method: clinical testing. Allele origin: germline.
Comment: The p.S472Y variant (also known as c.1415C>A), located in coding exon 4 of the MSH6 gene, results from a C to A substitution at nucleotide position 1415. The serine at codon 472 is replaced by tyrosine, an amino acid with dissimilar properties. This amino acid position is not well conserved in available vertebrate species. In addition, the in silico prediction for this alteration is inconclusive. Since supporting evidence is limited at this time, the clinical significance of this alteration remains unclear.

NM_000179.3(MSH6):c.1415C>A (p.Ser472Tyr)

Gene: MSH6 (mutS homolog 6; plus strand). Cytogenetic location: 2p16.3.
Variant type: single nucleotide variant.
Coding change: c.1415C>A on transcript NM_000179.3 (MANE Select); coding-DNA position 1415, C replaced by A.
Protein change: p.Ser472Tyr; replaces serine 472 with tyrosine.
Molecular consequence: missense variant.
Genome position (GRCh38, 1-based): chr2:47,799,398, C>A. VCF-style: chr2-47799398-C-A. GRCh37 (hg19) VCF-style: chr2-48026537-C-A.
Other names: c.1025C>A, p.Ser342Tyr (NM_001281492.2); c.509C>A, p.Ser170Tyr (NM_001281493.2, NM_001281494.2, NM_001406811.1 and 6 more transcripts); c.1511C>A, p.Ser504Tyr (NM_001406795.1, NM_001406802.1); c.1415C>A, p.Ser472Tyr (NM_001406796.1, NM_001406798.1, NM_001406800.1 and 4 more transcripts); c.1118C>A, p.Ser373Tyr (NM_001406797.1, NM_001406801.1, NM_001406805.1 and 10 more transcripts); c.890C>A, p.Ser297Tyr (NM_001406799.1, NM_001406806.1, NM_001406807.1); c.1337C>A, p.Ser446Tyr (NM_001406804.1); c.1421C>A, p.Ser474Tyr (NM_001406813.1); and 1 more; short protein forms S170Y, S446Y, S474Y, S342Y, S504Y, S416Y, S472Y, S297Y.
Identifiers: ClinVar variation 1772116 (VCV001772116.6), dbSNP rs864622741, ClinGen allele CA346745323.
Genomic context (GRCh38, chr2:47,799,398, plus strand): 5'-TGAAAGGCAACTGGGCCCATTCTGGCTTTCCTGAAATTGCATTTGGCCGTTATTCAGATT[C>A]CCTGGTGCAGAAGGGCTATAAAGTAGCACGAGTGGAACAGACTGAGACTCCAGAAATGAT-3'
Protein context (NP_000170.1, residues 462-482): PEIAFGRYSD[Ser472Tyr]LVQKGYKVAR